The following is an entry in ClinVar:

NM_001142800.2(EYS):c.8728T>C (p.Cys2910Arg)

Genes: EYS (EGF-like photoreceptor maintenance factor; minus strand), PHF3 (PHD finger protein 3; plus strand). Cytogenetic location: 6q12.
Variant type: single nucleotide variant.
Coding change: c.8728T>C on transcript NM_001142800.2 (MANE Select); coding-DNA position 8728, T replaced by C.
Protein change: p.Cys2910Arg; replaces cysteine 2910 with arginine.
Molecular consequence: missense variant. On other transcripts: 3 prime UTR variant (5).
Genome position (GRCh38, 1-based): chr6:63,721,303, A>G on the plus strand (T>C on the coding strand, the complement: EYS is on the minus strand). VCF-style: chr6-63721303-A-G. GRCh37 (hg19) VCF-style: chr6-64431199-A-G.
Other names: c.*7595A>G (NM_001290259.2, NM_001370348.2, NM_001370349.2 and 2 more transcripts); c.8791T>C, p.Cys2931Arg (NM_001292009.2); short protein forms C2910R, C2931R.
Identifiers: ClinVar variation 1921002 (VCV001921002.5), dbSNP rs2533390186, ClinGen allele CA364384111.

ClinVar aggregate classification (germline): Uncertain significance. Review status: criteria provided, multiple submitters, no conflicts (2 of 4 stars). 2 submissions from 2 submitters: Uncertain significance (2). Last evaluated 2024-10-16.

Submissions (2):

Labcorp Genetics (formerly Invitae), Labcorp
Classification: Uncertain significance. Last evaluated: 2024-10-16. Review status: criteria provided, single submitter. Criteria: Invitae Variant Classification Sherloc (09022015). Collection method: clinical testing. Allele origin: germline.
Comment: This sequence change replaces cysteine, which is neutral and slightly polar, with arginine, which is basic and polar, at codon 2910 of the EYS protein (p.Cys2910Arg). This variant is not present in population databases (gnomAD no frequency). This variant has not been reported in the literature in individuals affected with EYS-related conditions. ClinVar contains an entry for this variant (Variation ID: 1921002). Invitae Evidence Modeling of protein sequence and biophysical properties (such as structural, functional, and spatial information, amino acid conservation, physicochemical variation, residue mobility, and thermodynamic stability) indicates that this missense variant is expected to disrupt EYS protein function with a positive predictive value of 80%. In summary, the available evidence is currently insufficient to determine the role of this variant in disease. Therefore, it has been classified as a Variant of Uncertain Significance.

Blueprint Genetics
Classification: Uncertain significance. Last evaluated: 2022-04-13. Review status: criteria provided, single submitter. Criteria: ACMG Guidelines, 2015. Collection method: clinical testing. Allele origin: germline.